The following is an entry in ClinVar:

NM_001018005.2(TPM1):c.302G>A (p.Arg101His)

Gene: TPM1 (tropomyosin 1; plus strand). Cytogenetic location: 15q22.2.
Variant type: single nucleotide variant.
Coding change: c.302G>A on transcript NM_001018005.2 (MANE Select); coding-DNA position 302, G replaced by A.
Protein change: p.Arg101His; replaces arginine 101 with histidine.
Molecular consequence: missense variant.
Genome position (GRCh38, 1-based): chr15:63,057,046, G>A. VCF-style: chr15-63057046-G-A. GRCh37 (hg19) VCF-style: chr15-63349245-G-A.
Other names: c.302G>A, p.Arg101His (NM_000366.6, NM_001018004.2, NM_001018006.2 and 6 more transcripts); c.194G>A, p.Arg65His (NM_001018008.2, NM_001301289.2, NM_001330344.2 and 5 more transcripts); c.428G>A, p.Arg143His (NM_001365778.1); short protein forms R143H, R65H, R101H.
Identifiers: ClinVar variation 853021 (VCV000853021.9), dbSNP rs747907799, ClinGen allele CA029023.
Genomic context (GRCh38, chr15:63,057,046, plus strand): 5'-CTGAAGCCGACGTAGCTTCTCTGAACAGACGCATCCAGCTGGTTGAGGAAGAGTTGGATC[G>A]TGCCCAGGAGCGTCTGGCAACAGCTTTGCAGAAGCTGGAGGAAGCTGAGAAGGCAGCAGA-3'
Protein context (NP_001018005.1, residues 91-111): RIQLVEEELD[Arg101His]AQERLATALQ

ClinVar aggregate classification (germline): Uncertain significance. Review status: criteria provided, multiple submitters, no conflicts (2 of 4 stars). 2 submissions from 2 submitters: Uncertain significance (2). Last evaluated 2025-07-10.

Conditions:
Cardiomyopathy (CMYO). Also called: Cardiomyopathies. Identifiers: Orphanet 167848, MedGen C0878544, MONDO:0004994, HP:0001638. Inheritance: Various modes of inheritance.
Hypertrophic cardiomyopathy. Also called: HYPERTROPHIC MYOCARDIOPATHY. Identifiers: Orphanet 217569, MedGen C0007194, MeSH D002312, MONDO:0005045, HP:0001639.

Allele frequency attached by ClinVar (database versions not stated): gnomAD exomes 0.00001 and below 0.00001; ExAC 0.00002.
gnomAD v4.1: 7 of 1,614,208 alleles (0.00043%); highest among the groups gnomAD compares: Admixed American, 0.0033%; no homozygotes.

Submissions (2):

Color Diagnostics, LLC DBA Color Health
Classification: Uncertain significance for Cardiomyopathy. Last evaluated: 2025-07-10. Review status: criteria provided, single submitter. Criteria: ACMG Guidelines, 2015. Collection method: clinical testing. Allele origin: germline.
Comment: This missense variant replaces arginine with histidine at codon 101 of the TPM1 protein. Computational prediction suggests that this variant may have a deleterious impact on protein structure and function. To our knowledge, functional studies have not been reported for this variant. This variant has been reported in an individual affected with dilated cardiomyopathy (PMID: 37904629) and in an individual affected with cardiomyopathy or arrhythmia (PMID: 33954932). This variant has been identified in 3/251466 chromosomes in the general population by the Genome Aggregation Database (gnomAD). The available evidence is insufficient to determine the role of this variant in disease conclusively. Therefore, this variant is classified as a Variant of Uncertain Significance.

Labcorp Genetics (formerly Invitae), Labcorp
Classification: Uncertain significance for Hypertrophic cardiomyopathy. Last evaluated: 2023-06-15. Review status: criteria provided, single submitter. Criteria: Invitae Variant Classification Sherloc (09022015). Collection method: clinical testing. Allele origin: germline.
Comment: In summary, the available evidence is currently insufficient to determine the role of this variant in disease. Therefore, it has been classified as a Variant of Uncertain Significance. An algorithm developed to predict the effect of missense changes on protein structure and function (PolyPhen-2) suggests that this variant is likely to be disruptive. ClinVar contains an entry for this variant (Variation ID: 853021). This variant has not been reported in the literature in individuals affected with TPM1-related conditions. This variant is present in population databases (rs747907799, gnomAD 0.006%). This sequence change replaces arginine, which is basic and polar, with histidine, which is basic and polar, at codon 101 of the TPM1 protein (p.Arg101His).

Literature cited by the submitters: PubMed 33954932 (cited by Color Diagnostics, LLC DBA Color Health); PubMed 37904629 (cited by Color Diagnostics, LLC DBA Color Health).